The following is an entry in ClinVar:

NM_024740.2(ALG9):c.*1671T>C

Gene: ALG9 (ALG9 alpha-1,2-mannosyltransferase; minus strand). Cytogenetic location: 11q23.1.
Variant type: single nucleotide variant.
Coding change: c.*1671T>C on transcript NM_024740.2 (MANE Select); 1671 bases downstream of the stop codon, T replaced by C.
Molecular consequence: 3 prime UTR variant. On other transcripts: non-coding transcript variant (1).
Genome position (GRCh38, 1-based): chr11:111,784,726, A>G on the plus strand (T>C on the coding strand, the complement: ALG9 is on the minus strand). VCF-style: chr11-111784726-A-G. GRCh37 (hg19) VCF-style: chr11-111655450-A-G.
Other names: c.*1671T>C (NM_001077690.1, NM_001077691.2, NM_001077692.2 and 9 more transcripts); c.*1331T>C (NM_001352415.1, NM_001352416.1, NM_001352417.1 and 1 more transcripts); c.*1800T>C (NM_001352420.2); c.*1794T>C (NM_001352421.2).
Identifiers: ClinVar variation 880136 (VCV000880136.4), dbSNP rs116003998, ClinGen allele CA228538002.

ClinVar aggregate classification (germline): Benign (1 of 4 stars; one submission).

Conditions:
ALG9 congenital disorder of glycosylation (CDG1L). Also called: CDG Il; ALG9-CDG; CONGENITAL DISORDER OF GLYCOSYLATION, TYPE Il. Identifiers: Orphanet 79328, MedGen C2931006, MONDO:0012117, OMIM 608776.

Allele frequency attached by ClinVar (database versions not stated): gnomAD 0.01200 and 0.01295; 1000 Genomes Project 0.01338; TOPMed 0.01373; 1000 Genomes Project 30x 0.01374.

Submission:

Illumina Laboratory Services, Illumina
Classification: Benign for ALG9 congenital disorder of glycosylation. Last evaluated: 2018-01-13. Review status: criteria provided, single submitter. Criteria: ICSL Variant Classification Criteria 13 December 2019. Collection method: clinical testing. Allele origin: germline.
Comment: This variant was observed in the ICSL laboratory as part of a predisposition screen in an ostensibly healthy population. It had not been previously curated by ICSL or reported in the Human Gene Mutation Database (HGMD: prior to June 1st, 2018), and was therefore a candidate for classification through an automated scoring system. Utilizing variant allele frequency, disease prevalence and penetrance estimates, and inheritance mode, an automated score was calculated to assess if this variant is too frequent to cause the disease. Based on the score and internal cut-off values, a variant classified as benign is not then subjected to further curation. The score for this variant resulted in a classification of benign for this disease.